The following is an entry in ClinVar:

NM_001130987.2(DYSF):c.-128G>A

Gene: DYSF (dysferlin; plus strand). Cytogenetic location: 2p13.2.
Variant type: single nucleotide variant.
Coding change: c.-128G>A on transcript NM_001130987.2 (MANE Select); 128 bases upstream of the start codon, G replaced by A.
Molecular consequence: 5 prime UTR variant. On other transcripts: intron variant (7).
Genome position (GRCh38, 1-based): chr2:71,466,715, G>A. VCF-style: chr2-71466715-G-A. GRCh37 (hg19) VCF-style: chr2-71693845-G-A.
Other names: c.-128G>A (NM_001130455.2, NM_001130982.2, NM_001130983.2 and 3 more transcripts); c.88+12629G>A (NM_001130979.2, NM_001130981.2, NM_001130980.2 and 4 more transcripts).
Identifiers: ClinVar variation 681328 (VCV000681328.2), dbSNP rs6752632, ClinGen allele CA11017465.

ClinVar aggregate classification (germline): Benign. Review status: criteria provided, multiple submitters, no conflicts (2 of 4 stars). 2 submissions from 2 submitters: Benign (2). Last evaluated 2018-06-14.

Allele frequency attached by ClinVar (database versions not stated): gnomAD exomes 0.18599; gnomAD 0.19847 and 0.19898; TOPMed 0.20679; 1000 Genomes Project 30x 0.22517; 1000 Genomes Project 0.23063.

Submissions (2):

GeneDx
Classification: Benign. Last evaluated: 2018-06-14. Review status: criteria provided, single submitter. Criteria: GeneDx Variant Classification (06012015). Collection method: clinical testing. Allele origin: germline. Affected: yes.
Comment: This variant is considered likely benign or benign based on one or more of the following criteria: it is a conservative change, it occurs at a poorly conserved position in the protein, it is predicted to be benign by multiple in silico algorithms, and/or has population frequency not consistent with disease.

Breakthrough Genomics
Classification: Benign. Review status: criteria provided, single submitter. Criteria: ACMG Guidelines, 2015. Collection method: not provided. Allele origin: germline. Inheritance: Autosomal recessive inheritance. Affected: yes.